The following is an entry in ClinVar:

ClinVar aggregate classification (germline): Uncertain significance (1 of 4 stars; one submission).

Submission:

Labcorp Genetics (formerly Invitae), Labcorp
Classification: Uncertain significance. Last evaluated: 2024-10-28. Review status: criteria provided, single submitter. Criteria: Invitae Variant Classification Sherloc (09022015). Collection method: clinical testing. Allele origin: germline.
Comment: This sequence change replaces valine, which is neutral and non-polar, with alanine, which is neutral and non-polar, at codon 419 of the SLC1A2 protein (p.Val419Ala). This variant is not present in population databases (gnomAD no frequency). This variant has not been reported in the literature in individuals affected with SLC1A2-related conditions. Invitae Evidence Modeling of protein sequence and biophysical properties (such as structural, functional, and spatial information, amino acid conservation, physicochemical variation, residue mobility, and thermodynamic stability) indicates that this missense variant is not expected to disrupt SLC1A2 protein function with a negative predictive value of 80%. In summary, the available evidence is currently insufficient to determine the role of this variant in disease. Therefore, it has been classified as a Variant of Uncertain Significance.

NM_004171.4(SLC1A2):c.1256T>C (p.Val419Ala)

Gene: SLC1A2 (solute carrier family 1 member 2; minus strand). Cytogenetic location: 11p13.
Variant type: single nucleotide variant.
Coding change: c.1256T>C on transcript NM_004171.4 (MANE Select); coding-DNA position 1256, T replaced by C.
Protein change: p.Val419Ala; replaces valine 419 with alanine.
Molecular consequence: missense variant.
Genome position (GRCh38, 1-based): chr11:35,286,787, A>G on the plus strand (T>C on the coding strand, the complement: SLC1A2 is on the minus strand). VCF-style: chr11-35286787-A-G. GRCh37 (hg19) VCF-style: chr11-35308334-A-G.
Other names: c.1229T>C, p.Val410Ala (NM_001195728.3, NM_001252652.2); short protein forms V410A, V419A.
Identifiers: ClinVar variation 3693822 (VCV003693822.2).